The following is an entry in ClinVar:

ClinVar aggregate classification (germline): Uncertain significance (1 of 4 stars; one submission).

Submission:

Ambry Genetics
Classification: Uncertain significance. Last evaluated: 2022-07-12. Review status: criteria provided, single submitter. Criteria: Ambry Variant Classification Scheme 2023. Collection method: clinical testing. Allele origin: germline.
Comment: The p.P909R variant (also known as c.2726C>G), located in coding exon 13 of the NPAT gene, results from a C to G substitution at nucleotide position 2726. The proline at codon 909 is replaced by arginine, an amino acid with dissimilar properties. This amino acid position is conserved. In addition, the in silico prediction for this alteration is inconclusive. Since supporting evidence is limited at this time, the clinical significance of this alteration remains unclear.

NM_002519.3(NPAT):c.2726C>G (p.Pro909Arg)

Gene: NPAT (nuclear protein, coactivator of histone transcription; minus strand). Cytogenetic location: 11q22.3.
Variant type: single nucleotide variant.
Coding change: c.2726C>G on transcript NM_002519.3 (MANE Select); coding-DNA position 2726, C replaced by G.
Protein change: p.Pro909Arg; replaces proline 909 with arginine.
Molecular consequence: missense variant.
Genome position (GRCh38, 1-based): chr11:108,172,258, G>C on the plus strand (C>G on the coding strand, the complement: NPAT is on the minus strand). VCF-style: chr11-108172258-G-C. GRCh37 (hg19) VCF-style: chr11-108042985-G-C.
Other names: c.2726C>G, p.Pro909Arg (NM_001321307.1); short protein forms P909R.
Identifiers: ClinVar variation 1795239 (VCV001795239.2), dbSNP rs1435741975, ClinGen allele CA382512367.